The following is an entry in ClinVar:

NM_152281.3(GORAB):c.694A>G (p.Ile232Val)

Gene: GORAB (golgin, RAB6 interacting; plus strand). Cytogenetic location: 1q24.2.
Variant type: single nucleotide variant.
Coding change: c.694A>G on transcript NM_152281.3 (MANE Select); coding-DNA position 694, A replaced by G.
Protein change: p.Ile232Val; replaces isoleucine 232 with valine.
Molecular consequence: missense variant. On other transcripts: non-coding transcript variant (1).
Genome position (GRCh38, 1-based): chr1:170,552,046, A>G. VCF-style: chr1-170552046-A-G. GRCh37 (hg19) VCF-style: chr1-170521187-A-G.
Other names: c.229A>G, p.Ile77Val (NM_001320252.2); short protein forms I232V, I77V.
Identifiers: ClinVar variation 1480938 (VCV001480938.3), dbSNP rs1275189560, ClinGen allele CA343164652.

ClinVar aggregate classification (germline): Uncertain significance (1 of 4 stars; one submission).

Allele frequency attached by ClinVar (database versions not stated): gnomAD exomes below 0.00001; gnomAD 0.00001; TOPMed 0.00001.
gnomAD v4.1: 2 of 1,613,960 alleles (0.00012%); highest among the groups gnomAD compares: Admixed American, 0.0017%; no homozygotes.

Submission:

Labcorp Genetics (formerly Invitae), Labcorp
Classification: Uncertain significance. Last evaluated: 2021-09-07. Review status: criteria provided, single submitter. Criteria: Invitae Variant Classification Sherloc (09022015). Collection method: clinical testing. Allele origin: germline.
Comment: This sequence change replaces isoleucine with valine at codon 257 of the GORAB protein (p.Ile257Val). The isoleucine residue is moderately conserved and there is a small physicochemical difference between isoleucine and valine. This variant is not present in population databases (ExAC no frequency). This variant has not been reported in the literature in individuals affected with GORAB-related conditions. Algorithms developed to predict the effect of missense changes on protein structure and function output the following: SIFT: "Tolerated"; PolyPhen-2: "Benign"; Align-GVGD: "Class C0". The valine amino acid residue is found in multiple mammalian species, which suggests that this missense change does not adversely affect protein function. In summary, the available evidence is currently insufficient to determine the role of this variant in disease. Therefore, it has been classified as a Variant of Uncertain Significance.